The following is an entry in ClinVar:

NM_003079.5(SMARCE1):c.1039C>G (p.Leu347Val)

Gene: SMARCE1 (SWI/SNF related BAF chromatin remodeling complex subunit E1; minus strand). Cytogenetic location: 17q21.2.
Variant type: single nucleotide variant.
Coding change: c.1039C>G on transcript NM_003079.5 (MANE Select); coding-DNA position 1039, C replaced by G.
Protein change: p.Leu347Val; replaces leucine 347 with valine.
Molecular consequence: missense variant.
Genome position (GRCh38, 1-based): chr17:40,628,982, G>C on the plus strand (C>G on the coding strand, the complement: SMARCE1 is on the minus strand). VCF-style: chr17-40628982-G-C. GRCh37 (hg19) VCF-style: chr17-38785234-G-C.
Other names: short protein forms L347V.
Identifiers: ClinVar variation 662806 (VCV000662806.12), dbSNP rs267604854, ClinGen allele CA8545073.
Genomic context (GRCh38, chr17:40,628,982, plus strand): 5'-TGTCCTCAGGAGTAGACGTGCCTTCTTCACCATTCTGTTGGCTCTCTGTTGTTTCTTCAA[G>C]GTGTGTCTCCTCTGTAATCACACATTTGTCACTGTCAGTTCCAAGATGAAATTTTACTCT-3'
Protein context (NP_003070.3, residues 337-357): NIPMETEETH[Leu347Val]EETTESQQNG

ClinVar aggregate classification (germline): Conflicting classifications of pathogenicity. Review status: criteria provided, conflicting classifications (1 of 4 stars). 2 submissions from 2 submitters: Uncertain significance (1); Likely benign (1). Last evaluated 2026-01-19.

Conditions:
Familial meningioma. Also called: Meningioma, familial, susceptibility to. Identifiers: Orphanet 263662, MedGen C3551915, MONDO:0011789, OMIM 607174.
Hereditary cancer-predisposing syndrome. Also called: Neoplastic Syndromes, Hereditary; Tumor predisposition; Hereditary neoplastic syndrome; Hereditary Cancer Syndrome. Identifiers: Orphanet 140162, MedGen C0027672, MeSH D009386, MONDO:0015356.

Allele frequency attached by ClinVar (database versions not stated): gnomAD exomes below 0.00001 and 0.00001; TOPMed below 0.00001; ExAC 0.00001; gnomAD 0.00001.

Submissions (2):

Labcorp Genetics (formerly Invitae), Labcorp
Classification: Uncertain significance for Familial meningioma. Last evaluated: 2026-01-19. Review status: criteria provided, single submitter. Criteria: Invitae Variant Classification Sherloc (09022015). Collection method: clinical testing. Allele origin: germline.
Comment: This sequence change replaces leucine, which is neutral and non-polar, with valine, which is neutral and non-polar, at codon 347 of the SMARCE1 protein (p.Leu347Val). This variant is present in population databases (rs267604854, gnomAD 0.002%). This variant has not been reported in the literature in individuals affected with SMARCE1-related conditions. ClinVar contains an entry for this variant (Variation ID: 662806). Invitae Evidence Modeling of protein sequence and biophysical properties (such as structural, functional, and spatial information, amino acid conservation, physicochemical variation, residue mobility, and thermodynamic stability) indicates that this missense variant is not expected to disrupt SMARCE1 protein function with a negative predictive value of 80%. In summary, the available evidence is currently insufficient to determine the role of this variant in disease. Therefore, it has been classified as a Variant of Uncertain Significance.

Ambry Genetics
Classification: Likely benign for Hereditary cancer-predisposing syndrome. Last evaluated: 2024-12-12. Review status: criteria provided, single submitter. Criteria: Ambry Variant Classification Scheme 2023. Collection method: clinical testing. Allele origin: germline.